The following is an entry in ClinVar:

NM_001374736.1(DST):c.17522A>C (p.His5841Pro)

Gene: DST (dystonin; minus strand). Cytogenetic location: 6p12.1.
Variant type: single nucleotide variant.
Coding change: c.17522A>C on transcript NM_001374736.1 (MANE Select); coding-DNA position 17522, A replaced by C.
Protein change: p.His5841Pro; replaces histidine 5841 with proline.
Molecular consequence: missense variant. On other transcripts: intron variant (2).
Genome position (GRCh38, 1-based): chr6:56,529,521, T>G on the plus strand (A>C on the coding strand, the complement: DST is on the minus strand). VCF-style: chr6-56529521-T-G. GRCh37 (hg19) VCF-style: chr6-56394319-T-G.
Other names: c.11165A>C, p.His3722Pro (NM_001144769.5); c.10751A>C, p.His3584Pro (NM_001144770.2); c.17522A>C, p.His5841Pro (NM_001374722.1); c.17549A>C, p.His5850Pro (NM_001374734.1); c.10631A>C, p.His3544Pro (NM_001386100.1, NM_183380.4); c.9653A>C, p.His3218Pro (NM_015548.5); c.10377+453A>C (NM_001374730.1); c.16635+453A>C (NM_001374729.1); short protein forms H3218P, H3544P, H3584P, H3722P, H5841P, H5850P.
Identifiers: ClinVar variation 998871 (VCV000998871.9), dbSNP rs758568001, ClinGen allele CA3867422.

ClinVar aggregate classification (germline): Uncertain significance (1 of 4 stars; one submission).

Conditions:
Epidermolysis bullosa simplex 3, localized or generalized intermediate, with BP230 deficiency (EBS3). Also called: Epidermolysis bullosa simplex, autosomal recessive 2; Epidermolysis bullosa simplex due to BP230 deficiency. Identifiers: Orphanet 412181, MedGen C3809470, MONDO:0014180, OMIM 615425.
Hereditary sensory and autonomic neuropathy type 6. Also called: HSAN VI; Neuropathy, hereditary sensory and autonomic, type VI. Identifiers: Orphanet 314381, MedGen C3539003, MONDO:0013839, OMIM 614653.

Allele frequency attached by ClinVar (database versions not stated): TOPMed 0.00001.
gnomAD v4.1: 3 of 1,612,972 alleles (0.00019%); highest among the groups gnomAD compares: Admixed American, 0.005%; no homozygotes.

Submission:

Labcorp Genetics (formerly Invitae), Labcorp
Classification: Uncertain significance for Epidermolysis bullosa simplex 3, localized or generalized intermediate, with BP230 deficiency; Hereditary sensory and autonomic neuropathy type 6. Last evaluated: 2023-04-20. Review status: criteria provided, single submitter. Criteria: Invitae Variant Classification Sherloc (09022015). Collection method: clinical testing. Allele origin: germline.
Comment: Experimental studies and prediction algorithms are not available or were not evaluated, and the functional significance of this variant is currently unknown. In summary, the available evidence is currently insufficient to determine the role of this variant in disease. Therefore, it has been classified as a Variant of Uncertain Significance. This variant has not been reported in the literature in individuals affected with DST-related conditions. This variant is present in population databases (rs758568001, gnomAD 0.009%). This sequence change replaces histidine, which is basic and polar, with proline, which is neutral and non-polar, at codon 3218 of the DST protein (p.His3218Pro). The DST gene has multiple clinically relevant transcripts. This variant occurs in alternate transcript NM_015548.4, and corresponds to NM_001723.5:c.*85996A>C in the primary transcript.